The following is an entry in ClinVar:

ClinVar aggregate classification (germline): Uncertain significance (1 of 4 stars; one submission).

Conditions:
Familial hypercholesterolemia. Also called: Familial hypercholesterolaemia. Identifiers: MedGen C0020445, MONDO:0005439.

gnomAD v4.1: 2 of 1,614,232 alleles (0.00012%); highest among the groups gnomAD compares: African/African-American, 0.0013%; no homozygotes.

Submission:

Color Diagnostics, LLC DBA Color Health
Classification: Uncertain significance for Familial hypercholesterolemia. Last evaluated: 2025-07-15. Review status: criteria provided, single submitter. Criteria: ACMG Guidelines, 2015. Collection method: clinical testing. Allele origin: germline.
Comment: This missense variant replaces lysine with methionine at codon 110 of the PCSK9 protein. Computational prediction suggests that this variant may not impact protein structure and function. To our knowledge, functional studies have not been reported for this variant. This variant has not been reported in individuals affected with PCSK9-related disorders in the literature. This variant has not been identified in the general population by the Genome Aggregation Database (gnomAD). The available evidence is insufficient to determine the role of this variant in disease conclusively. Therefore, this variant is classified as a Variant of Uncertain Significance.

NM_174936.4(PCSK9):c.329A>T (p.Lys110Met)

Gene: PCSK9 (proprotein convertase subtilisin/kexin type 9; plus strand). Cytogenetic location: 1p32.3.
Variant type: single nucleotide variant.
Coding change: c.329A>T on transcript NM_174936.4 (MANE Select); coding-DNA position 329, A replaced by T.
Protein change: p.Lys110Met; replaces lysine 110 with methionine.
Molecular consequence: missense variant. On other transcripts: 5 prime UTR variant (1), non-coding transcript variant (6), intron variant (1).
Genome position (GRCh38, 1-based): chr1:55,043,964, A>T. VCF-style: chr1-55043964-A-T. GRCh37 (hg19) VCF-style: chr1-55509637-A-T.
Other names: c.452A>T, p.Lys151Met (NM_001407240.1); c.329A>T, p.Lys110Met (NM_001407241.1, NM_001407242.1, NM_001407243.1 and 2 more transcripts); c.-47A>T (NM_001407246.1); c.208-2559A>T (NM_001407245.1); short protein forms K110M, K151M.
Identifiers: ClinVar variation 4758908 (VCV004758908.1).
Genomic context (GRCh38, chr1:55,043,964, plus strand): 5'-AGTCAGAGCGCACTGCCCGCCGCCTGCAGGCCCAGGCTGCCCGCCGGGGATACCTCACCA[A>T]GATCCTGCATGTCTTCCATGGCCTTCTTCCTGGCTTCCTGGTGAAGATGAGTGGCGACCT-3'
Protein context (NP_777596.2, residues 100-120): AQAARRGYLT[Lys110Met]ILHVFHGLLP